The following is an entry in ClinVar:

ClinVar aggregate classification (germline): Uncertain significance (1 of 4 stars; one submission).

Submission:

Ambry Genetics
Classification: Uncertain significance. Last evaluated: 2026-03-12. Review status: criteria provided, single submitter. Criteria: Ambry Variant Classification Scheme 2023. Collection method: clinical testing. Allele origin: germline.
Comment: The p.S6A variant (also known as c.16T>G), located in coding exon 1 of the PALLD gene, results from a T to G substitution at nucleotide position 16. The serine at codon 6 is replaced by alanine, an amino acid with similar properties. This amino acid position is conserved. In addition, this alteration is predicted to be tolerated by in silico analysis. Based on the available evidence, the clinical significance of this variant remains unclear.

NM_001166108.2(PALLD):c.1965-13015T>G

Gene: PALLD (palladin, cytoskeletal associated protein; plus strand). Cytogenetic location: 4q32.3.
Variant type: single nucleotide variant.
Coding change: c.1965-13015T>G on transcript NM_001166108.2 (MANE Select); 13015 bases into the intron before coding-DNA position 1965, T replaced by G.
Molecular consequence: intron variant. On other transcripts: missense variant (1).
Genome position (GRCh38, 1-based): chr4:168,877,907, T>G. VCF-style: chr4-168877907-T-G. GRCh37 (hg19) VCF-style: chr4-169799058-T-G.
Other names: c.16T>G, p.Ser6Ala (NM_001166110.2); c.1965-13015T>G (NM_016081.4); c.819-13015T>G (NM_001166109.2); c.-157-13015T>G (NM_001367570.1, NM_001367568.1, NM_001367567.1 and 1 more transcripts); short protein forms S6A.
Identifiers: ClinVar variation 4826077 (VCV004826077.1).
Genomic context (GRCh38, chr4:168,877,907, plus strand): 5'-TTCCCCGAGCTCGCGGCCTGCACGCCGCCCGCGTCCCCGGAGCCCATGAGCGCGCTGGCC[T>G]CCCGCTCCGCCCCCGCCATGCAGTCCTCCGGCTCCTTCAACTACGCGCGCCCCAAGCAGT-3'